The following is an entry in ClinVar:

NM_001377137.1(GBF1):c.2067A>G (p.Pro689=)

Gene: GBF1 (golgi brefeldin A resistant guanine nucleotide exchange factor 1; plus strand). Cytogenetic location: 10q24.32.
Variant type: single nucleotide variant.
Coding change: c.2067A>G on transcript NM_001377137.1 (MANE Select); coding-DNA position 2067, A replaced by G.
Protein change: p.Pro689=; no amino-acid change (proline 689 retained).
Molecular consequence: synonymous variant. On other transcripts: non-coding transcript variant (5).
Genome position (GRCh38, 1-based): chr10:102,363,759, A>G. VCF-style: chr10-102363759-A-G. GRCh37 (hg19) VCF-style: chr10-104123516-A-G.
Other names: c.2067A>G, p.Pro689= (NM_001199378.2, NM_001391923.1); c.2064A>G, p.Pro688= (NM_001199379.2, NM_001377141.1, NM_001391924.1 and 4 more transcripts); c.2028A>G, p.Pro676= (NM_001377138.1, NM_001391925.1); c.1770A>G, p.Pro590= (NM_001377139.1, NM_001377140.1); c.2163A>G, p.Pro721= (NM_001391922.1, NM_001411027.1); c.2031A>G, p.Pro677= (NM_001391926.1); c.1923A>G, p.Pro641= (NM_001391928.1); c.1686A>G, p.Pro562= (NM_001391931.1); and 1 more.
Identifiers: ClinVar variation 4086022 (VCV004086022.8).

ClinVar aggregate classification (germline): Benign (1 of 4 stars; one submission).

gnomAD v4.1: 758 of 1,613,262 alleles (0.047%); highest among the groups gnomAD compares: African/African-American, 0.91%; 3 homozygotes.

Submission:

CeGaT Center for Human Genetics Tuebingen
Classification: Benign. Last evaluated: 2025-08-01. Review status: criteria provided, single submitter. Criteria: CeGaT Center For Human Genetics Tuebingen Variant Classification Criteria Version 2. Collection method: clinical testing. Allele origin: germline. Affected: yes. Observed: 1 variant allele.
Comment: GBF1: BP4, BS1, BS2